The following is an entry in ClinVar:

ClinVar aggregate classification (germline): Uncertain significance (1 of 4 stars; one submission).

Conditions:
Fanconi anemia (FA). Also called: Fanconi's anemia. Identifiers: Orphanet 84, MedGen C0015625, MeSH D005199, MONDO:0019391.

Allele frequency attached by ClinVar (database versions not stated): gnomAD exomes 0.00001; ExAC 0.00001.

Submission:

Labcorp Genetics (formerly Invitae), Labcorp
Classification: Uncertain significance for Fanconi anemia. Last evaluated: 2022-08-23. Review status: criteria provided, single submitter. Criteria: Invitae Variant Classification Sherloc (09022015). Collection method: clinical testing. Allele origin: germline.
Comment: This sequence change replaces leucine, which is neutral and non-polar, with valine, which is neutral and non-polar, at codon 638 of the FANCD2 protein (p.Leu638Val). This variant is present in population databases (rs760324486, gnomAD 0.007%). This variant has not been reported in the literature in individuals affected with FANCD2-related conditions. ClinVar contains an entry for this variant (Variation ID: 847093). Algorithms developed to predict the effect of missense changes on protein structure and function (SIFT, PolyPhen-2, Align-GVGD) all suggest that this variant is likely to be tolerated. In summary, the available evidence is currently insufficient to determine the role of this variant in disease. Therefore, it has been classified as a Variant of Uncertain Significance.

NM_001018115.3(FANCD2):c.1912C>G (p.Leu638Val)

Genes: FANCD2 (FA complementation group D2; plus strand), LOC107303338 (3p25 FANCD2 Alu-mediated recombination region; plus strand). Cytogenetic location: 3p25.3.
Variant type: single nucleotide variant.
Coding change: c.1912C>G on transcript NM_001018115.3 (MANE Select); coding-DNA position 1912, C replaced by G.
Protein change: p.Leu638Val; replaces leucine 638 with valine.
Molecular consequence: missense variant.
Genome position (GRCh38, 1-based): chr3:10,063,876, C>G. VCF-style: chr3-10063876-C-G. GRCh37 (hg19) VCF-style: chr3-10105560-C-G.
Other names: c.1912C>G, p.Leu638Val (NM_001319984.2, NM_001374254.1, NM_033084.6); c.1801C>G, p.Leu601Val (NM_001374253.1); short protein forms L601V, L638V.
Identifiers: ClinVar variation 847093 (VCV000847093.7), dbSNP rs760324486, ClinGen allele CA2249867.